The following is an entry in ClinVar:

ClinVar aggregate classification (germline): Uncertain significance. Review status: criteria provided, multiple submitters, no conflicts (2 of 4 stars). 2 submissions from 2 submitters: Uncertain significance (2). Last evaluated 2024-11-15.

Conditions:
Inborn genetic diseases. Identifiers: MedGen C0950123, MeSH D030342.

Allele frequency attached by ClinVar (database versions not stated): ExAC 0.00003; gnomAD exomes 0.00004; gnomAD 0.00005.
gnomAD v4.1: 56 of 1,613,586 alleles (0.0035%); highest among the groups gnomAD compares: Non-Finnish European, 0.0043%; no homozygotes.

Submissions (2):

Ambry Genetics
Classification: Uncertain significance for Inborn genetic diseases. Last evaluated: 2024-11-15. Review status: criteria provided, single submitter. Criteria: Ambry Variant Classification Scheme 2023. Collection method: clinical testing. Allele origin: germline.

Labcorp Genetics (formerly Invitae), Labcorp
Classification: Uncertain significance. Last evaluated: 2021-11-02. Review status: criteria provided, single submitter. Criteria: Invitae Variant Classification Sherloc (09022015). Collection method: clinical testing. Allele origin: germline.
Comment: This sequence change replaces arginine, which is basic and polar, with glutamine, which is neutral and polar, at codon 1640 of the CUL7 protein (p.Arg1640Gln). This variant is present in population databases (rs773657593, gnomAD 0.008%). This variant has not been reported in the literature in individuals affected with CUL7-related conditions. Algorithms developed to predict the effect of missense changes on protein structure and function output the following: SIFT: "Tolerated"; PolyPhen-2: "Benign"; Align-GVGD: "Class C0". The glutamine amino acid residue is found in multiple mammalian species, which suggests that this missense change does not adversely affect protein function. In summary, the available evidence is currently insufficient to determine the role of this variant in disease. Therefore, it has been classified as a Variant of Uncertain Significance.

NM_014780.5(CUL7):c.4919G>A (p.Arg1640Gln)

Gene: CUL7 (cullin 7; minus strand). Cytogenetic location: 6p21.1.
Variant type: single nucleotide variant.
Coding change: c.4919G>A on transcript NM_014780.5 (MANE Select); coding-DNA position 4919, G replaced by A.
Protein change: p.Arg1640Gln; replaces arginine 1640 with glutamine.
Molecular consequence: missense variant.
Genome position (GRCh38, 1-based): chr6:43,037,866, C>T on the plus strand (G>A on the coding strand, the complement: CUL7 is on the minus strand). VCF-style: chr6-43037866-C-T. GRCh37 (hg19) VCF-style: chr6-43005604-C-T.
Other names: c.5015G>A, p.Arg1672Gln (NM_001168370.2, NM_001374872.1); c.4931G>A, p.Arg1644Gln (NM_001374873.1); c.4916G>A, p.Arg1639Gln (NM_001374874.1); c.4919G>A (NM_014780.4); short protein forms R1640Q, R1644Q, R1672Q, R1639Q.
Identifiers: ClinVar variation 1384695 (VCV001384695.8), dbSNP rs773657593, ClinGen allele CA3813076.